The following is an entry in ClinVar:

ClinVar aggregate classification (germline): Conflicting classifications of pathogenicity. Review status: criteria provided, conflicting classifications (1 of 4 stars). 13 submissions from 13 submitters: Uncertain significance (1); Benign (2); Likely benign (8). 2 of the submissions do not count toward it. Last evaluated 2026-09-01.

Conditions:
Connective tissue disorder. Also called: Connective tissue disease. Identifiers: MedGen C0009782, MONDO:0003900.
Aortic aneurysm, familial thoracic 7 (AAT7). Also called: AORTIC DISSECTION, FAMILIAL, WITH OR WITHOUT AORTIC ANEURYSM. Identifiers: MedGen C3151077, MONDO:0013418, OMIM 613780.
MYLK-related disorder. Also called: MYLK-related condition.
Familial thoracic aortic aneurysm and aortic dissection (TAAD). Also called: Thoracic aortic aneurysms and dissections. Identifiers: Orphanet 91387, MedGen C4707243, MONDO:0019625.

Allele frequency attached by ClinVar (database versions not stated): 1000 Genomes Project 30x 0.00031; 1000 Genomes Project 0.00040; ExAC 0.00107; TOPMed 0.00163; ESP Exome Variant Server 0.00185.
gnomAD v4.1: 3,534 of 1,614,048 alleles (0.22%); highest among the groups gnomAD compares: Non-Finnish European, 0.27%; 5 homozygotes.

Submissions (13):

CeGaT Center for Human Genetics Tuebingen
Classification: Likely benign. Last evaluated: 2026-09-01. Review status: criteria provided, single submitter. Criteria: CeGaT Center For Human Genetics Tuebingen Variant Classification Criteria Version 2. Collection method: clinical testing. Allele origin: germline. Affected: yes. Observed: 4 variant alleles.
Comment: MYLK: BS2

Labcorp Genetics (formerly Invitae), Labcorp
Classification: Likely benign for Aortic aneurysm, familial thoracic 7. Last evaluated: 2026-02-03. Review status: criteria provided, single submitter. Criteria: Invitae Variant Classification Sherloc (09022015). Collection method: clinical testing. Allele origin: germline.

Mayo Clinic Laboratories, Mayo Clinic
Classification: Likely benign. Last evaluated: 2025-10-09. Review status: criteria provided, single submitter. Criteria: ACMG Guidelines, 2015. Collection method: clinical testing. Allele origin: germline. Observed: 5 variant alleles.
Comment: BS1, PP3_strong

ARUP Laboratories, Molecular Genetics and Genomics, ARUP Laboratories
Classification: Benign. Last evaluated: 2025-06-02. Review status: criteria provided, single submitter. Criteria: ARUP Molecular Germline Variant Investigation Process 2024. Collection method: clinical testing. Allele origin: germline.

Blueprint Genetics
Classification: Likely benign. Last evaluated: 2024-11-26. Review status: criteria provided, single submitter. Criteria: ACMG Guidelines, 2015. Collection method: clinical testing. Allele origin: germline.

GeneDx
Classification: Likely benign. Last evaluated: 2021-09-27. Review status: criteria provided, single submitter. Criteria: GeneDx Variant Classification Process June 2021. Collection method: clinical testing. Allele origin: germline. Affected: yes.
Comment: In silico analysis, which includes protein predictors and evolutionary conservation, supports a deleterious effect This variant is associated with the following publications: (PMID: 31980526, 21055718)

Ambry Genetics
Classification: Likely benign for Familial thoracic aortic aneurysm and aortic dissection. Last evaluated: 2020-07-08. Review status: criteria provided, single submitter. Criteria: Ambry Variant Classification Scheme 2023. Collection method: clinical testing. Allele origin: germline.

Women's Health and Genetics/Laboratory Corporation of America, LabCorp
Classification: Likely benign. Last evaluated: 2020-02-03. Review status: criteria provided, single submitter. Criteria: LabCorp Variant Classification Summary - May 2015. Collection method: clinical testing. Allele origin: germline.
Comment: Variant summary: MYLK c.1968G>T (p.Trp656Cys) results in a non-conservative amino acid change located in the fifth immunoglobulin-like domain (IPR007110) of the encoded protein sequence. Five of five in-silico tools predict a damaging effect of the variant on protein function. The variant allele was found at a frequency of 0.0013 in 251486 control chromosomes, predominantly at a frequency of 0.0021 within the Non-Finnish European subpopulation in the gnomAD database. The observed variant frequency within Non-Finnish European control individuals in the gnomAD database is approximately 84 fold of the estimated maximal expected allele frequency for a pathogenic variant in MYLK causing Aortopathy phenotype (2.5e-05), strongly suggesting that the variant is a benign polymorphism found primarily in populations of Non-Finnish European origin. c.1968G>T has been reported in the literature to be found in unaffected controls (Wang_2010). To our knowledge, no experimental evidence demonstrating an impact on protein function has been reported. Eight clinical diagnostic laboratories have submitted clinical-significance assessments for this variant to ClinVar after 2014 without evidence for independent evaluation, and classified the variant as benign (1x) / likely benign (2x) or VUS (4x). Based on the evidence outlined above, the variant was classified as likely benign.

CHEO Genetics Diagnostic Laboratory, Children's Hospital of Eastern Ontario
Classification: Benign for Familial thoracic aortic aneurysm and aortic dissection. Last evaluated: 2019-04-25. Review status: criteria provided, single submitter. Criteria: ACMG Guidelines, 2015. Collection method: clinical testing. Allele origin: germline.

Center for Human Genetics, Inc
Classification: Likely benign for Connective tissue disorder. Last evaluated: 2018-06-01. Review status: criteria provided, single submitter. Criteria: ACMG Guidelines, 2015. Collection method: clinical testing. Allele origin: germline. Affected: yes.

Illumina Laboratory Services, Illumina
Classification: Uncertain significance for Aortic aneurysm, familial thoracic 7. Last evaluated: 2018-01-13. Review status: criteria provided, single submitter. Criteria: ICSL Variant Classification Criteria 13 December 2019. Collection method: clinical testing. Allele origin: germline.

PreventionGenetics, part of Exact Sciences
Classification: Likely benign for MYLK-related condition. Last evaluated: 2023-09-13. Review status: no assertion criteria provided. Collection method: clinical testing. Allele origin: germline. Not counted in ClinVar's aggregate classification.
Comment: This variant is classified as likely benign based on ACMG/AMP sequence variant interpretation guidelines (Richards et al. 2015 PMID: 25741868, with internal and published modifications).

Knight Diagnostic Laboratories, Oregon Health and Sciences University
Classification: Uncertain significance for Aortic aneurysm, familial thoracic 7. Last evaluated: 2016-03-30. Review status: no assertion criteria provided. Criteria: ACMG Guidelines, 2015. Collection method: clinical testing. Allele origin: germline. Affected: no. Study: CSER-NextGen. Not counted in ClinVar's aggregate classification.

Literature cited by the submitters: PubMed 31980526 (cited by Mayo Clinic Laboratories, Mayo Clinic); PubMed 21055718 (cited by Ambry Genetics and Women's Health and Genetics/Laboratory Corporation of America, LabCorp); PubMed 27879251 (cited by Women's Health and Genetics/Laboratory Corporation of America, LabCorp).

NM_053025.4(MYLK):c.1968G>T (p.Trp656Cys)

Gene: MYLK (myosin light chain kinase; minus strand). Cytogenetic location: 3q21.1.
Variant type: single nucleotide variant.
Coding change: c.1968G>T on transcript NM_053025.4 (MANE Select); coding-DNA position 1968, G replaced by T.
Protein change: p.Trp656Cys; replaces tryptophan 656 with cysteine.
Molecular consequence: missense variant.
Genome position (GRCh38, 1-based): chr3:123,708,870, C>A on the plus strand (G>T on the coding strand, the complement: MYLK is on the minus strand). VCF-style: chr3-123708870-C-A. GRCh37 (hg19) VCF-style: chr3-123427717-C-A.
Other names: c.1440G>T, p.Trp480Cys (NM_001321309.2); c.1761G>T, p.Trp587Cys (NM_053026.4, NM_053028.4); c.1968G>T, p.Trp656Cys (NM_053027.4); short protein forms W656C, W480C, W587C.
Identifiers: ClinVar variation 342893 (VCV000342893.94), dbSNP rs138172035, ClinGen allele CA067907.
Genomic context (GRCh38, chr3:123,708,870, plus strand): 5'-AGTTCCTCTCTGTTCAAAGTGGAAGTCCTCTGACTCTTGGATCTCATTCCCATTGTGCAG[C>A]CAGATGACTTCAGGGGGTGGATTCCCTGAACCAGGAGGAGGGGAAGGGGGATTGGTTAGG-3'
Protein context (NP_444253.3, residues 646-666): VSGNPPPEVI[Trp656Cys]LHNGNEIQES